The following is an entry in ClinVar:

NM_003850.3(SUCLA2):c.167A>G (p.His56Arg)

Gene: SUCLA2 (succinate-CoA ligase ADP-forming subunit beta; minus strand). Cytogenetic location: 13q14.2.
Variant type: single nucleotide variant.
Coding change: c.167A>G on transcript NM_003850.3 (MANE Select); coding-DNA position 167, A replaced by G.
Protein change: p.His56Arg; replaces histidine 56 with arginine.
Molecular consequence: missense variant.
Genome position (GRCh38, 1-based): chr13:47,996,947, T>C on the plus strand (A>G on the coding strand, the complement: SUCLA2 is on the minus strand). VCF-style: chr13-47996947-T-C. GRCh37 (hg19) VCF-style: chr13-48571082-T-C.
Other names: short protein forms H56R.
Identifiers: ClinVar variation 1935233 (VCV001935233.5), dbSNP rs751107693, ClinGen allele CA6978075.
Genomic context (GRCh38, chr13:47,996,947, plus strand): 5'-ACATATCCTTTGGGAACGGAGACACCAGCTTCTTGCAATAATTCCATACTCATGTATTCA[T>C]GTAGTGAGAGATTCCTTTGCTGTTGCTGCTGTACTTGGAGTCCATGGTTATTAAACAATC-3'
Protein context (NP_003841.1, residues 46-66): QQQQQRNLSL[His56Arg]EYMSMELLQE

ClinVar aggregate classification (germline): Uncertain significance (1 of 4 stars; one submission).

Conditions:
Mitochondrial DNA depletion syndrome, encephalomyopathic form with methylmalonic aciduria (MTDPS5). Also called: MITOCHONDRIAL DNA DEPLETION SYNDROME, ENCEPHALOMYOPATHIC FORM, WITH OR WITHOUT METHYLMALONIC ACIDURIA, AUTOSOMAL RECESSIVE, SUCLA2-RELATED; Mitochondrial DNA depletion syndrome 5 (encephalomyopathic with or without methylmalonic aciduria); SUCLA2-Related Mitochondrial DNA Depletion Syndrome, Encephalomyopathic Form with Methylmalonic Aciduria; Mitochondrial encephalomyopathy aminoacidopathy. Identifiers: Orphanet 1933, MedGen C5980207, MONDO:0012791, OMIM 612073.

Allele frequency attached by ClinVar (database versions not stated): TOPMed below 0.00001; gnomAD exomes 0.00001; ExAC 0.00002.
gnomAD v4.1: 10 of 1,614,118 alleles (0.00062%); highest among the groups gnomAD compares: Non-Finnish European, 0.00076%; no homozygotes.

Submission:

Labcorp Genetics (formerly Invitae), Labcorp
Classification: Uncertain significance for Mitochondrial DNA depletion syndrome, encephalomyopathic form with methylmalonic aciduria. Last evaluated: 2022-08-10. Review status: criteria provided, single submitter. Criteria: Invitae Variant Classification Sherloc (09022015). Collection method: clinical testing. Allele origin: germline.
Comment: In summary, the available evidence is currently insufficient to determine the role of this variant in disease. Therefore, it has been classified as a Variant of Uncertain Significance. Algorithms developed to predict the effect of missense changes on protein structure and function are either unavailable or do not agree on the potential impact of this missense change (SIFT: "Deleterious"; PolyPhen-2: "Probably Damaging"; Align-GVGD: "Class C0"). This variant has not been reported in the literature in individuals affected with SUCLA2-related conditions. This variant is present in population databases (rs751107693, gnomAD 0.0009%). This sequence change replaces histidine, which is basic and polar, with arginine, which is basic and polar, at codon 56 of the SUCLA2 protein (p.His56Arg).